The following is an entry in ClinVar:

NM_206933.4(USH2A):c.7412T>A (p.Leu2471His)

Gene: USH2A (usherin; minus strand). Cytogenetic location: 1q41.
Variant type: single nucleotide variant.
Coding change: c.7412T>A on transcript NM_206933.4 (MANE Select); coding-DNA position 7412, T replaced by A.
Protein change: p.Leu2471His; replaces leucine 2471 with histidine.
Molecular consequence: missense variant.
Genome position (GRCh38, 1-based): chr1:215,900,794, A>T on the plus strand (T>A on the coding strand, the complement: USH2A is on the minus strand). VCF-style: chr1-215900794-A-T. GRCh37 (hg19) VCF-style: chr1-216074136-A-T.
Other names: short protein forms L2471H.
Identifiers: ClinVar variation 1297134 (VCV001297134.4), dbSNP rs1290644032, ClinGen allele CA344849587.

ClinVar aggregate classification (germline): Uncertain significance. Review status: criteria provided, multiple submitters, no conflicts (2 of 4 stars). 4 submissions from 3 submitters: Uncertain significance (4). Last evaluated 2023-11-04.

Conditions:
Retinitis pigmentosa (RP). Identifiers: Orphanet 791, MedGen C0035334, MeSH D012174, MONDO:0019200, OMIM 268000. Inheritance: Autosomal dominant, autosomal recessive and X linked inheritance.
Retinitis pigmentosa 39 (RP39). Identifiers: Orphanet 791, MedGen C3151138, MONDO:0013436, OMIM 613809.
Usher syndrome type 2A. Also called: RETINAL DISEASE IN USHER SYNDROME TYPE IIA, MODIFIER OF; USHER SYNDROME, TYPE IIA. Identifiers: Orphanet 231178, Orphanet 886, MedGen C1848634, MONDO:0010169, OMIM 276901.

Allele frequency attached by ClinVar (database versions not stated): gnomAD 0.00001.
gnomAD v4.1: 20 of 1,613,630 alleles (0.0012%); highest among the groups gnomAD compares: Non-Finnish European, 0.0016%; no homozygotes.

Submissions (4):

Genome-Nilou Lab
Classification: Uncertain significance for Retinitis pigmentosa 39. Last evaluated: 2023-11-04. Review status: criteria provided, single submitter. Criteria: ACMG Guidelines, 2015. Collection method: clinical testing. Allele origin: germline. Affected: no.

Genome-Nilou Lab
Classification: Uncertain significance for Usher syndrome type 2A. Last evaluated: 2023-11-04. Review status: criteria provided, single submitter. Criteria: ACMG Guidelines, 2015. Collection method: clinical testing. Allele origin: germline. Affected: no.

Labcorp Genetics (formerly Invitae), Labcorp
Classification: Uncertain significance. Last evaluated: 2022-02-27. Review status: criteria provided, single submitter. Criteria: Invitae Variant Classification Sherloc (09022015). Collection method: clinical testing. Allele origin: germline.
Comment: This sequence change replaces leucine, which is neutral and non-polar, with histidine, which is basic and polar, at codon 2471 of the USH2A protein (p.Leu2471His). This variant is present in population databases (no rsID available, gnomAD 0.01%). This variant has not been reported in the literature in individuals affected with USH2A-related conditions. ClinVar contains an entry for this variant (Variation ID: 1297134). Algorithms developed to predict the effect of missense changes on protein structure and function (SIFT, PolyPhen-2, Align-GVGD) all suggest that this variant is likely to be disruptive. In summary, the available evidence is currently insufficient to determine the role of this variant in disease. Therefore, it has been classified as a Variant of Uncertain Significance.

Broad Center for Mendelian Genomics, Broad Institute of MIT and Harvard
Classification: Uncertain significance for Retinitis pigmentosa. Last evaluated: 2021-04-01. Review status: criteria provided, single submitter. Criteria: ACMG Guidelines, 2015. Collection method: curation. Allele origin: germline. Inheritance: Autosomal recessive inheritance. Affected: yes.
Comment: Through a review of available evidence we were able to apply the following criteria: PM2, PP3, PM3-P. Based on this evidence we have classified this variant as a Variant of Uncertain Significance. If you have any questions about the classification please reach out to the Pierce Lab.

Literature cited by the submitters: PubMed 34906470 (cited by Broad Center for Mendelian Genomics, Broad Institute of MIT and Harvard).